The following is an entry in ClinVar:

NM_004281.4(BAG3):c.1567G>A (p.Ala523Thr)

Gene: BAG3 (BAG cochaperone 3; plus strand). Cytogenetic location: 10q26.11.
Variant type: single nucleotide variant.
Coding change: c.1567G>A on transcript NM_004281.4 (MANE Select); coding-DNA position 1567, G replaced by A.
Protein change: p.Ala523Thr; replaces alanine 523 with threonine.
Molecular consequence: missense variant.
Genome position (GRCh38, 1-based): chr10:119,677,121, G>A. VCF-style: chr10-119677121-G-A. GRCh37 (hg19) VCF-style: chr10-121436633-G-A.
Other names: short protein forms A523T.
Identifiers: ClinVar variation 2165166 (VCV002165166.5), dbSNP rs759058143, ClinGen allele CA5716573.

ClinVar aggregate classification (germline): Uncertain significance. Review status: criteria provided, multiple submitters, no conflicts (2 of 4 stars). 2 submissions from 2 submitters: Uncertain significance (2). Last evaluated 2025-10-27.

Conditions:
Myofibrillar myopathy 6. Identifiers: Orphanet 199340, MedGen C2751831, MONDO:0013061, OMIM 612954.
Dilated cardiomyopathy 1HH (CMD1HH). Identifiers: Orphanet 154, MedGen C3151293, MONDO:0013479, OMIM 613881.
Cardiovascular phenotype. Identifiers: MedGen CN230736.

Allele frequency attached by ClinVar (database versions not stated): ExAC 0.00002; gnomAD 0.00002; gnomAD exomes 0.00002; TOPMed 0.00003.
gnomAD v4.1: 26 of 1,614,018 alleles (0.0016%); highest among the groups gnomAD compares: South Asian, 0.026%; 1 homozygote.

Submissions (2):

Labcorp Genetics (formerly Invitae), Labcorp
Classification: Uncertain significance for Dilated cardiomyopathy 1HH; Myofibrillar myopathy 6. Last evaluated: 2025-10-27. Review status: criteria provided, single submitter. Criteria: Invitae Variant Classification Sherloc (09022015). Collection method: clinical testing. Allele origin: germline.
Comment: This sequence change replaces alanine, which is neutral and non-polar, with threonine, which is neutral and polar, at codon 523 of the BAG3 protein (p.Ala523Thr). This variant is present in population databases (rs759058143, gnomAD 0.02%). This variant has not been reported in the literature in individuals affected with BAG3-related conditions. ClinVar contains an entry for this variant (Variation ID: 2165166). Invitae Evidence Modeling of protein sequence and biophysical properties (such as structural, functional, and spatial information, amino acid conservation, physicochemical variation, residue mobility, and thermodynamic stability) indicates that this missense variant is not expected to disrupt BAG3 protein function with a negative predictive value of 80%. In summary, the available evidence is currently insufficient to determine the role of this variant in disease. Therefore, it has been classified as a Variant of Uncertain Significance.

Ambry Genetics
Classification: Uncertain significance for Cardiovascular phenotype. Last evaluated: 2024-01-01. Review status: criteria provided, single submitter. Criteria: Ambry Variant Classification Scheme 2023. Collection method: clinical testing. Allele origin: germline.
Comment: The p.A523T variant (also known as c.1567G>A), located in coding exon 4 of the BAG3 gene, results from a G to A substitution at nucleotide position 1567. The alanine at codon 523 is replaced by threonine, an amino acid with similar properties. This amino acid position is conserved. In addition, this alteration is predicted to be tolerated by in silico analysis. Since supporting evidence is limited at this time, the clinical significance of this alteration remains unclear.